The following is an entry in ClinVar:

NM_001458.5(FLNC):c.444G>A (p.Trp148Ter)

Gene: FLNC (filamin C; plus strand). Cytogenetic location: 7q32.1.
Variant type: single nucleotide variant.
Coding change: c.444G>A on transcript NM_001458.5 (MANE Select); coding-DNA position 444, G replaced by A.
Protein change: p.Trp148Ter; replaces tryptophan 148 with a stop codon.
Molecular consequence: nonsense.
Genome position (GRCh38, 1-based): chr7:128,835,417, G>A. VCF-style: chr7-128835417-G-A. GRCh37 (hg19) VCF-style: chr7-128475471-G-A.
Other names: c.444G>A, p.Trp148Ter (NM_001127487.2); short protein forms W148*.
Identifiers: ClinVar variation 539439 (VCV000539439.7), dbSNP rs1554397197, ClinGen allele CA369219143.
Genomic context (GRCh38, chr7:128,835,417, plus strand): 5'-GCTGATCCTGGGCCTGATCTGGACGCTGATCCTGCACTACTCCATCTCCATGCCCATGTG[G>A]GAGGATGAAGATGATGAGGATGCCCGCAAACAGACGCCCAAGCAGCGGCTGCTTGGCTGG-3'

ClinVar aggregate classification (germline): Pathogenic (1 of 4 stars; one submission).

Conditions:
Distal myopathy with posterior leg and anterior hand involvement. Also called: WILLIAMS DISTAL MYOPATHY. Identifiers: Orphanet 63273, MedGen C3279722, MONDO:0013550, OMIM 614065.
Myofibrillar myopathy 5. Also called: Filaminopathy (type); FILAMINOPATHY, AUTOSOMAL DOMINANT. Identifiers: Orphanet 171445, MedGen C1836050, MONDO:0012289, OMIM 609524.
Hypertrophic cardiomyopathy 26. Also called: Cardiomyopathy, familial hypertrophic, 26. Identifiers: Orphanet 75249, MedGen C4310749, MONDO:0014883, OMIM 617047.

Submission:

Labcorp Genetics (formerly Invitae), Labcorp
Classification: Pathogenic for Distal myopathy with posterior leg and anterior hand involvement; Myofibrillar myopathy 5; Hypertrophic cardiomyopathy 26. Last evaluated: 2023-12-06. Review status: criteria provided, single submitter. Criteria: Invitae Variant Classification Sherloc (09022015). Collection method: clinical testing. Allele origin: germline.
Comment: This sequence change creates a premature translational stop signal (p.Trp148*) in the FLNC gene. It is expected to result in an absent or disrupted protein product. Loss-of-function variants in FLNC are known to be pathogenic (PMID: 27908349). This variant is not present in population databases (gnomAD no frequency). This variant has not been reported in the literature in individuals affected with FLNC-related conditions. ClinVar contains an entry for this variant (Variation ID: 539439). For these reasons, this variant has been classified as Pathogenic.

Literature cited by the submitters: PubMed 27908349.